The following is an entry in ClinVar:

ClinVar aggregate classification (germline): Likely benign. Review status: criteria provided, multiple submitters, no conflicts (2 of 4 stars). 2 submissions from 2 submitters: Likely benign (2). Last evaluated 2026-01-15.

Conditions:
Tuberous sclerosis 2 (TSC2). Identifiers: Orphanet 805, MedGen C1860707, MONDO:0013199, OMIM 613254.

Allele frequency attached by ClinVar (database versions not stated): gnomAD exomes below 0.00001 and 0.00001; gnomAD 0.00002 and 0.00003; TOPMed 0.00002.
gnomAD v4.1: 11 of 1,613,036 alleles (0.00068%); highest among the groups gnomAD compares: African/African-American, 0.011%; no homozygotes.

Submissions (2):

Labcorp Genetics (formerly Invitae), Labcorp
Classification: Likely benign for Tuberous sclerosis 2. Last evaluated: 2026-01-15. Review status: criteria provided, single submitter. Criteria: Invitae Variant Classification Sherloc (09022015). Collection method: clinical testing. Allele origin: germline.

GeneDx
Classification: Likely benign. Last evaluated: 2017-03-01. Review status: criteria provided, single submitter. Criteria: GeneDx Variant Classification (06012015). Collection method: clinical testing. Allele origin: germline. Affected: yes.
Comment: This variant is considered likely benign or benign based on one or more of the following criteria: it is a conservative change, it occurs at a poorly conserved position in the protein, it is predicted to be benign by multiple in silico algorithms, and/or has population frequency not consistent with disease.

NM_000548.5(TSC2):c.2355+20C>T

Gene: TSC2 (TSC complex subunit 2; plus strand). Cytogenetic location: 16p13.3.
Variant type: single nucleotide variant.
Coding change: c.2355+20C>T on transcript NM_000548.5 (MANE Select); 20 bases into the intron after coding-DNA position 2355, C replaced by T.
Molecular consequence: intron variant.
Genome position (GRCh38, 1-based): chr16:2,073,003, C>T. VCF-style: chr16-2073003-C-T. GRCh37 (hg19) VCF-style: chr16-2123004-C-T.
Other names: c.2355+20C>T (NM_001114382.3, NM_021055.3, NM_001370405.1 and 3 more transcripts); c.2244+20C>T (NM_001318827.2); c.1755+20C>T (NM_001318831.2); c.2208+20C>T (NM_001318829.2); c.2388+20C>T (NM_001318832.2).
Identifiers: ClinVar variation 507690 (VCV000507690.8), dbSNP rs1031112467, ClinGen allele CA276740104.